The following is an entry in ClinVar:

NM_000540.3(RYR1):c.8300C>T (p.Ala2767Val)

Gene: RYR1 (ryanodine receptor 1; plus strand). Cytogenetic location: 19q13.2.
Variant type: single nucleotide variant.
Coding change: c.8300C>T on transcript NM_000540.3 (MANE Select); coding-DNA position 8300, C replaced by T.
Protein change: p.Ala2767Val; replaces alanine 2767 with valine.
Molecular consequence: missense variant.
Genome position (GRCh38, 1-based): chr19:38,505,071, C>T. VCF-style: chr19-38505071-C-T. GRCh37 (hg19) VCF-style: chr19-38995711-C-T.
Other names: c.8300C>T, p.Ala2767Val (NM_001042723.2); short protein forms A2767V.
Identifiers: ClinVar variation 1058774 (VCV001058774.8), dbSNP rs368444112, ClinGen allele CA071762.

ClinVar aggregate classification (germline): Uncertain significance. Review status: criteria provided, multiple submitters, no conflicts (2 of 4 stars). 3 submissions from 3 submitters: Uncertain significance (3). Last evaluated 2025-09-05.

Conditions:
RYR1-related disorder. Also called: RYR1-related disorders; RYR1-related condition. Identifiers: MedGen CN239331.
Malignant hyperthermia, susceptibility to, 1 (MHS1). Also called: RYR1-Related Malignant Hyperthermia Susceptibility; Anesthesia related hyperthermia; Malignant hyperpyrexia; Fulminating hyperpyrexia; Pharmacogenic myopathy; Malignant hyperthermia suceptibility 1. Identifiers: Orphanet 423, MedGen C2930980, MONDO:0007783, OMIM 145600.

Allele frequency attached by ClinVar (database versions not stated): TOPMed below 0.00001; gnomAD 0.00001; gnomAD exomes 0.00001 and 0.00003; ExAC 0.00006; ESP Exome Variant Server 0.00008.
gnomAD v4.1: 10 of 1,613,912 alleles (0.00062%); highest among the groups gnomAD compares: Non-Finnish European, 0.00076%; no homozygotes.

Submissions (3):

Color Diagnostics, LLC DBA Color Health
Classification: Uncertain significance for Malignant hyperthermia, susceptibility to, 1. Last evaluated: 2025-09-05. Review status: criteria provided, single submitter. Criteria: ACMG Guidelines, 2015. Collection method: clinical testing. Allele origin: germline.
Comment: This missense variant replaces alanine with valine at codon 2767 of the RYR1 protein. Computational prediction suggests that this variant may have deleterious impact on protein structure and function. To our knowledge, functional studies have not been reported for this variant. This variant has not been reported in individuals affected with RYR1-related disorders in the literature. This variant has been identified in 7/251480 chromosomes in the general population by the Genome Aggregation Database (gnomAD). The available evidence is insufficient to determine the role of this variant in disease conclusively. Therefore, this variant is classified as a Variant of Uncertain Significance.

All of Us Research Program, National Institutes of Health
Classification: Uncertain significance for Malignant hyperthermia, susceptibility to, 1. Last evaluated: 2024-03-05. Review status: criteria provided, single submitter. Criteria: ACMG Guidelines, 2015. Collection method: clinical testing. Allele origin: germline. Inheritance: Autosomal dominant inheritance. Observed: 1 variant allele, 1 heterozygote.
Comment: This study involves interpretation of variants in research participants for the purpose of population health screening. Participant phenotype was not available at the time of variant classification. Additional details can be found in publication PMID: 35346344, PMCID: PMC8962531

Labcorp Genetics (formerly Invitae), Labcorp
Classification: Uncertain significance for RYR1-related disorder. Last evaluated: 2021-08-24. Review status: criteria provided, single submitter. Criteria: Invitae Variant Classification Sherloc (09022015). Collection method: clinical testing. Allele origin: germline.
Comment: This sequence change replaces alanine with valine at codon 2767 of the RYR1 protein (p.Ala2767Val). The alanine residue is highly conserved and there is a small physicochemical difference between alanine and valine. This variant is present in population databases (rs368444112, ExAC 0.01%). This variant has not been reported in the literature in individuals affected with RYR1-related conditions. Algorithms developed to predict the effect of missense changes on protein structure and function are either unavailable or do not agree on the potential impact of this missense change (SIFT: "Deleterious"; PolyPhen-2: "Benign"; Align-GVGD: "Class C0"). In summary, the available evidence is currently insufficient to determine the role of this variant in disease. Therefore, it has been classified as a Variant of Uncertain Significance.